The following is an entry in ClinVar:

ClinVar aggregate classification (germline): Uncertain significance. Review status: criteria provided, multiple submitters, no conflicts (2 of 4 stars). 2 submissions from 2 submitters: Uncertain significance (2). Last evaluated 2024-04-18.

Conditions:
Multiple gastrointestinal atresias. Also called: FAMILIAL INTESTINAL POLYATRESIA SYNDROME; Multiple intestinal atresia. Identifiers: Orphanet 2300, MedGen C0220744, MONDO:0009465.
Inborn genetic diseases. Identifiers: MedGen C0950123, MeSH D030342.

Allele frequency attached by ClinVar (database versions not stated): ExAC 0.00001; gnomAD 0.00002; TOPMed 0.00003.
gnomAD v4.1: 8 of 1,608,214 alleles (0.0005%); highest among the groups gnomAD compares: African/African-American, 0.0054%; no homozygotes.

Submissions (2):

Ambry Genetics
Classification: Uncertain significance for Inborn genetic diseases. Last evaluated: 2024-04-18. Review status: criteria provided, single submitter. Criteria: Ambry Variant Classification Scheme 2023. Collection method: clinical testing. Allele origin: germline.

Labcorp Genetics (formerly Invitae), Labcorp
Classification: Uncertain significance for Multiple gastrointestinal atresias. Last evaluated: 2022-04-18. Review status: criteria provided, single submitter. Criteria: Invitae Variant Classification Sherloc (09022015). Collection method: clinical testing. Allele origin: germline.
Comment: In summary, the available evidence is currently insufficient to determine the role of this variant in disease. Therefore, it has been classified as a Variant of Uncertain Significance. Algorithms developed to predict the effect of missense changes on protein structure and function are either unavailable or do not agree on the potential impact of this missense change (SIFT: "Deleterious"; PolyPhen-2: "Benign"; Align-GVGD: "Class C0"). This sequence change replaces tyrosine, which is neutral and polar, with cysteine, which is neutral and slightly polar, at codon 537 of the TTC7A protein (p.Tyr537Cys). The frequency data for this variant in the population databases is considered unreliable, as metrics indicate poor data quality at this position in the gnomAD database. This variant has not been reported in the literature in individuals affected with TTC7A-related conditions.

NM_020458.4(TTC7A):c.1610A>G (p.Tyr537Cys)

Gene: TTC7A (tetratricopeptide repeat domain 7A; plus strand). Cytogenetic location: 2p21.
Variant type: single nucleotide variant.
Coding change: c.1610A>G on transcript NM_020458.4 (MANE Select); coding-DNA position 1610, A replaced by G.
Protein change: p.Tyr537Cys; replaces tyrosine 537 with cysteine.
Molecular consequence: missense variant.
Genome position (GRCh38, 1-based): chr2:47,024,328, A>G. VCF-style: chr2-47024328-A-G. GRCh37 (hg19) VCF-style: chr2-47251467-A-G.
Other names: c.1610A>G, p.Tyr537Cys (NM_001288951.2); c.1508A>G, p.Tyr503Cys (NM_001288953.2); c.548A>G, p.Tyr183Cys (NM_001288955.2); c.1610A>G (NM_020458.2); short protein forms Y183C, Y503C, Y537C.
Identifiers: ClinVar variation 2417511 (VCV002417511.6), dbSNP rs772056823, ClinGen allele CA1647763.
Genomic context (GRCh38, chr2:47,024,328, plus strand): 5'-ACTCCCTCTCCCCACACAGGGCTCAGCAGCTGGCGCCCAGTGACCCCCAGGTCATCCTCT[A>G]TGTCTCGCTGCAGCTGGCCCTCGTCCGACAGGTGGGTTGTCCGTGTTCCTAACCCCCGGG-3'
Protein context (NP_065191.2, residues 527-547): LAPSDPQVIL[Tyr537Cys]VSLQLALVRQ